The following is an entry in ClinVar:

ClinVar aggregate classification (germline): Uncertain significance (1 of 4 stars; one submission).

Submission:

GeneDx
Classification: Uncertain significance. Last evaluated: 2025-05-13. Review status: criteria provided, single submitter. Criteria: GeneDx Variant Classification Process June 2021. Collection method: clinical testing. Allele origin: germline. Affected: yes.
Comment: Not observed at significant frequency in large population cohorts (gnomAD); In silico analysis suggests that this missense variant does not alter protein structure/function; Has not been previously published as pathogenic or benign to our knowledge

NM_014974.3(DIP2C):c.4225C>G (p.Gln1409Glu)

Gene: DIP2C (disco interacting protein 2 homolog C; minus strand). Cytogenetic location: 10p15.3.
Variant type: single nucleotide variant.
Coding change: c.4225C>G on transcript NM_014974.3 (MANE Select); coding-DNA position 4225, C replaced by G.
Protein change: p.Gln1409Glu; replaces glutamine 1409 with glutamic acid.
Molecular consequence: missense variant.
Genome position (GRCh38, 1-based): chr10:283,341, G>C on the plus strand (C>G on the coding strand, the complement: DIP2C is on the minus strand). VCF-style: chr10-283341-G-C. GRCh37 (hg19) VCF-style: chr10-329281-G-C.
Other names: short protein forms Q1409E.
Identifiers: ClinVar variation 4529839 (VCV004529839.1).